The following is an entry in ClinVar:

ClinVar aggregate classification (germline): Uncertain significance (1 of 4 stars; one submission).

Allele frequency attached by ClinVar (database versions not stated): TOPMed below 0.00001.

Submission:

Labcorp Genetics (formerly Invitae), Labcorp
Classification: Uncertain significance. Last evaluated: 2022-07-23. Review status: criteria provided, single submitter. Criteria: Invitae Variant Classification Sherloc (09022015). Collection method: clinical testing. Allele origin: germline.
Comment: In summary, the available evidence is currently insufficient to determine the role of this variant in disease. Therefore, it has been classified as a Variant of Uncertain Significance. Algorithms developed to predict the effect of missense changes on protein structure and function (SIFT, PolyPhen-2, Align-GVGD) all suggest that this variant is likely to be disruptive. This variant has not been reported in the literature in individuals affected with SETBP1-related conditions. This variant is not present in population databases (gnomAD no frequency). This sequence change replaces glutamic acid, which is acidic and polar, with lysine, which is basic and polar, at codon 599 of the SETBP1 protein (p.Glu599Lys).

NM_015559.3(SETBP1):c.1795G>A (p.Glu599Lys)

Gene: SETBP1 (SET binding protein 1; plus strand). Cytogenetic location: 18q12.3.
Variant type: single nucleotide variant.
Coding change: c.1795G>A on transcript NM_015559.3 (MANE Select); coding-DNA position 1795, G replaced by A.
Protein change: p.Glu599Lys; replaces glutamic acid 599 with lysine.
Molecular consequence: missense variant.
Genome position (GRCh38, 1-based): chr18:44,951,135, G>A. VCF-style: chr18-44951135-G-A. GRCh37 (hg19) VCF-style: chr18-42531100-G-A.
Other names: c.1795G>A, p.Glu599Lys (NM_001379141.1, NM_001379142.1, NM_001410862.1); short protein forms E599K.
Identifiers: ClinVar variation 1713556 (VCV001713556.5), dbSNP rs2071338940, ClinGen allele CA402319495.
Genomic context (GRCh38, chr18:44,951,135, plus strand): 5'-GTGATCACTCCAGTCAAAAAGAAGCGGGGACGACCAAAGAAGCAGCCTTTGCTCACAGTC[G>A]AGACGATTCATGAGGGAACTTCCACCAGCCCCGTCAGTCCCATCAGCCGAGAGTTTCCTG-3'
Protein context (NP_056374.2, residues 589-609): RPKKQPLLTV[Glu599Lys]TIHEGTSTSP